The following is an entry in ClinVar:

ClinVar aggregate classification (germline): Conflicting classifications of pathogenicity. Review status: criteria provided, conflicting classifications (1 of 4 stars). 2 submissions from 2 submitters: Uncertain significance (1); Likely benign (1). Last evaluated 2026-04-01.

Submissions (2):

CeGaT Center for Human Genetics Tuebingen
Classification: Uncertain significance. Last evaluated: 2026-04-01. Review status: criteria provided, single submitter. Criteria: CeGaT Center For Human Genetics Tuebingen Variant Classification Criteria Version 2. Collection method: clinical testing. Allele origin: germline. Affected: yes. Observed: 1 variant allele.
Comment: AHDC1: PM2, BP4

Labcorp Genetics (formerly Invitae), Labcorp
Classification: Likely benign. Last evaluated: 2022-07-15. Review status: criteria provided, single submitter. Criteria: Invitae Variant Classification Sherloc (09022015). Collection method: clinical testing. Allele origin: germline.

NM_001371928.1(AHDC1):c.696C>T (p.Asp232=)

Gene: AHDC1 (AT-hook DNA binding motif containing 1; minus strand). Cytogenetic location: 1p36.11.
Variant type: single nucleotide variant.
Coding change: c.696C>T on transcript NM_001371928.1 (MANE Select); coding-DNA position 696, C replaced by T.
Protein change: p.Asp232=; no amino-acid change (aspartic acid 232 retained).
Molecular consequence: synonymous variant.
Genome position (GRCh38, 1-based): chr1:27,551,420, G>A on the plus strand (C>T on the coding strand, the complement: AHDC1 is on the minus strand). VCF-style: chr1-27551420-G-A. GRCh37 (hg19) VCF-style: chr1-27877931-G-A.
Other names: c.696C>T, p.Asp232= (NM_001029882.3).
Identifiers: ClinVar variation 1959553 (VCV001959553.7), dbSNP rs1244847470, ClinGen allele CA416980129.
Genomic context (GRCh38, chr1:27,551,420, plus strand): 5'-AGTGAGGGAGGCCAGCTCACTAAGGATGTCGGCGTCAGCAAGTTCTGAGTAATCAGTGCT[G>A]TCTGGCTCAGGCTCTGGGGGCAGACCCGTGGCCGCAGCCGTGGCTCCGGGACTATGGCCT-3'
Protein context (NP_001358857.1, residues 222-242): ATGLPPEPEP[Asp232=]STDYSELADA